The following is an entry in ClinVar:

NM_001267550.2(TTN):c.98605C>T (p.Arg32869Cys)

Genes: TTN (titin; minus strand), TTN-AS1 (TTN antisense RNA 1; plus strand). Cytogenetic location: 2q31.2.
Variant type: single nucleotide variant.
Coding change: c.98605C>T on transcript NM_001267550.2 (MANE Select); coding-DNA position 98605, C replaced by T.
Protein change: p.Arg32869Cys; replaces arginine 32869 with cysteine.
Molecular consequence: missense variant. On other transcripts: non-coding transcript variant (1).
Genome position (GRCh38, 1-based): chr2:178,539,460, G>A on the plus strand (C>T on the coding strand, the complement: TTN is on the minus strand). VCF-style: chr2-178539460-G-A. GRCh37 (hg19) VCF-style: chr2-179404187-G-A.
Other names: p.R31228C:CGT>TGT; p.Arg30301Cys; c.93682C>T, p.Arg31228Cys (NM_001256850.1); c.71410C>T, p.Arg23804Cys (NM_003319.4); c.90901C>T, p.Arg30301Cys (NM_133378.4); c.71785C>T, p.Arg23929Cys (NM_133432.3); c.71986C>T, p.Arg23996Cys (NM_133437.4); short protein forms R31228C, R32869C, R30301C, R23929C, R23996C, R23804C.
Identifiers: ClinVar variation 203040 (VCV000203040.21), dbSNP rs186244950, ClinGen allele CA311058.

ClinVar aggregate classification (germline): Conflicting classifications of pathogenicity. Review status: criteria provided, conflicting classifications (1 of 4 stars). 14 submissions from 10 submitters: Uncertain significance (8); Benign (1); Likely benign (5). Last evaluated 2026-04-13.

Conditions:
TTN-related disorder. Also called: TTN-related condition; TTN-related disease; TTN-related disorders.
Dilated cardiomyopathy 1G (CMD1G). Identifiers: Orphanet 154, MedGen C1858763, MONDO:0011400, OMIM 604145.
Autosomal recessive limb-girdle muscular dystrophy type 2J (LGMDR10). Also called: Limb-girdle muscular dystrophy, type 2J; MUSCULAR DYSTROPHY, LIMB-GIRDLE, AUTOSOMAL RECESSIVE 10. Identifiers: Orphanet 140922, MedGen C1837342, MONDO:0012127, OMIM 608807.
Cardiovascular phenotype. Identifiers: MedGen CN230736.
Early-onset myopathy with fatal cardiomyopathy (CMYO5). Also called: Salih Myopathy; CONGENITAL MYOPATHY 5 WITH CARDIOMYOPATHY. Identifiers: Orphanet 289377, MedGen C2673677, MONDO:0012714, OMIM 611705. Disease mechanism: loss of function.
Myopathy, myofibrillar, 9, with early respiratory failure (MFM9). Also called: Myopathy, distal, with early respiratory failure, autosomal dominant; MYOPATHY, PROXIMAL, WITH EARLY RESPIRATORY MUSCLE INVOLVEMENT; Hereditary myopathy with early respiratory failure; EDSTROM MYOPATHY. Identifiers: Orphanet 178464, Orphanet 34521, MedGen C1863599, MONDO:0011362, OMIM 603689.
Tibial muscular dystrophy (TMD). Also called: Tibial muscular dystrophy, tardive; Udd Distal Myopathy – Tibial Muscular Dystrophy; UDD MYOPATHY. Identifiers: Orphanet 609, MedGen C1838244, MONDO:0010870, OMIM 600334.

Allele frequency attached by ClinVar (database versions not stated): gnomAD 0.00011 and 0.00013; gnomAD exomes 0.00011 and 0.00022; TOPMed 0.00013; ExAC 0.00018; 1000 Genomes Project 0.00020; 1000 Genomes Project 30x 0.00031; ESP Exome Variant Server 0.00033.
gnomAD v4.1: 193 of 1,613,804 alleles (0.012%); highest among the groups gnomAD compares: South Asian, 0.048%; no homozygotes.

Submissions (14):

Women's Health and Genetics/Laboratory Corporation of America, LabCorp
Classification: Uncertain significance. Last evaluated: 2026-04-13. Review status: criteria provided, single submitter. Criteria: LabCorp Variant Classification Summary - May 2015. Collection method: clinical testing. Allele origin: germline.
Comment: Variant summary: TTN c.90901C>T (p.Arg30301Cys) results in a non-conservative amino acid change in the encoded protein sequence. Algorithms developed to predict the effect of missense changes on protein structure and function all suggest that this variant is likely to be disruptive. The variant allele was found at a frequency of 0.00022 in 248954 control chromosomes, predominantly at a frequency of 0.00039 within the South Asian subpopulation in the gnomAD database. This frequency is not significantly higher than estimated for disease-causing variants in TTN, allowing no conclusion about variant significance. To our knowledge, no occurrence of c.90901C>T in individuals affected with TTN-related conditions and no experimental evidence demonstrating its impact on protein function have been reported. ClinVar contains an entry for this variant (Variation ID: 203040). Based on the evidence outlined above, the variant was classified as uncertain significance.

Mayo Clinic Laboratories, Mayo Clinic
Classification: Uncertain significance. Last evaluated: 2025-06-27. Review status: criteria provided, single submitter. Criteria: ACMG Guidelines, 2015. Collection method: clinical testing. Allele origin: germline. Observed: 1 variant allele.
Comment: BS1

PreventionGenetics, part of Exact Sciences
Classification: Likely benign for TTN-related condition. Last evaluated: 2025-04-23. Review status: criteria provided, single submitter. Criteria: ACMG Guidelines, 2015. Collection method: clinical testing. Allele origin: germline.
Comment: This variant is classified as likely benign based on ACMG/AMP sequence variant interpretation guidelines (Richards et al. 2015 PMID: 25741868, with internal and published modifications).

Blueprint Genetics
Classification: Likely benign. Last evaluated: 2024-04-23. Review status: criteria provided, single submitter. Criteria: ACMG Guidelines, 2015. Collection method: clinical testing. Allele origin: germline.

Revvity Omics, Revvity
Classification: Uncertain significance. Last evaluated: 2022-05-20. Review status: criteria provided, single submitter. Criteria: ACMG Guidelines, 2015. Collection method: clinical testing. Allele origin: germline.

GeneDx
Classification: Likely benign. Last evaluated: 2020-12-09. Review status: criteria provided, single submitter. Criteria: GeneDx Variant Classification Process June 2021. Collection method: clinical testing. Allele origin: germline. Affected: yes.

Ambry Genetics
Classification: Likely benign for Cardiovascular phenotype. Last evaluated: 2018-10-29. Review status: criteria provided, single submitter. Criteria: Ambry Variant Classification Scheme 2023. Collection method: clinical testing. Allele origin: germline.

Eurofins Ntd Llc (ga)
Classification: Uncertain significance. Last evaluated: 2018-02-16. Review status: criteria provided, single submitter. Criteria: EGL ClinVar v180209 classification definitions. Collection method: clinical testing. Allele origin: germline. Observed: 3 variant alleles, 3 heterozygotes.

Illumina Laboratory Services, Illumina
Classification: Uncertain significance for Autosomal recessive limb-girdle muscular dystrophy type 2J. Last evaluated: 2018-01-12. Review status: criteria provided, single submitter. Criteria: ICSL Variant Classification Criteria 13 December 2019. Collection method: clinical testing. Allele origin: germline.

Illumina Laboratory Services, Illumina
Classification: Uncertain significance for Dilated cardiomyopathy 1G. Last evaluated: 2018-01-12. Review status: criteria provided, single submitter. Criteria: ICSL Variant Classification Criteria 13 December 2019. Collection method: clinical testing. Allele origin: germline.

Illumina Laboratory Services, Illumina
Classification: Benign for Tibial muscular dystrophy. Last evaluated: 2018-01-12. Review status: criteria provided, single submitter. Criteria: ICSL Variant Classification Criteria 13 December 2019. Collection method: clinical testing. Allele origin: germline.
Comment: This variant was observed in the ICSL laboratory as part of a predisposition screen in an ostensibly healthy population. It had not been previously curated by ICSL or reported in the Human Gene Mutation Database (HGMD: prior to June 1st, 2018), and was therefore a candidate for classification through an automated scoring system. Utilizing variant allele frequency, disease prevalence and penetrance estimates, and inheritance mode, an automated score was calculated to assess if this variant is too frequent to cause the disease. Based on the score and internal cut-off values, a variant classified as benign is not then subjected to further curation. The score for this variant resulted in a classification of benign for this disease.

Illumina Laboratory Services, Illumina
Classification: Likely benign for Myopathy, myofibrillar, 9, with early respiratory failure. Last evaluated: 2018-01-12. Review status: criteria provided, single submitter. Criteria: ICSL Variant Classification Criteria 13 December 2019. Collection method: clinical testing. Allele origin: germline.
Comment: This variant was observed in the ICSL laboratory as part of a predisposition screen in an ostensibly healthy population. It had not been previously curated by ICSL or reported in the Human Gene Mutation Database (HGMD: prior to June 1st, 2018), and was therefore a candidate for classification through an automated scoring system. Utilizing variant allele frequency, disease prevalence and penetrance estimates, and inheritance mode, an automated score was calculated to assess if this variant is too frequent to cause the disease. Based on the score and internal cut-off values, a variant classified as likely benign is not then subjected to further curation. The score for this variant resulted in a classification of likely benign for this disease.

Illumina Laboratory Services, Illumina
Classification: Uncertain significance for Early-onset myopathy with fatal cardiomyopathy. Last evaluated: 2018-01-12. Review status: criteria provided, single submitter. Criteria: ICSL Variant Classification Criteria 13 December 2019. Collection method: clinical testing. Allele origin: germline.

Labcorp Genetics (formerly Invitae), Labcorp
Classification: Uncertain significance for Dilated cardiomyopathy 1G; Autosomal recessive limb-girdle muscular dystrophy type 2J. Last evaluated: 2017-10-25. Review status: criteria provided, single submitter. Criteria: Invitae Variant Classification Sherloc (09022015). Collection method: clinical testing. Allele origin: germline.